The following is an entry in ClinVar:

ClinVar aggregate classification (germline): Uncertain significance (1 of 4 stars; one submission).

Conditions:
Familial thoracic aortic aneurysm and aortic dissection (TAAD). Also called: Thoracic aortic aneurysms and dissections. Identifiers: Orphanet 91387, MedGen C4707243, MONDO:0019625.

Submission:

Labcorp Genetics (formerly Invitae), Labcorp
Classification: Uncertain significance for Familial thoracic aortic aneurysm and aortic dissection. Last evaluated: 2025-12-14. Review status: criteria provided, single submitter. Criteria: Invitae Variant Classification Sherloc (09022015). Collection method: clinical testing. Allele origin: germline.
Comment: This sequence change replaces lysine, which is basic and polar, with asparagine, which is neutral and polar, at codon 64 of the TGFBR1 protein (p.Lys64Asn). This variant is not present in population databases (gnomAD no frequency). This variant has not been reported in the literature in individuals affected with TGFBR1-related conditions. Invitae Evidence Modeling of protein sequence and biophysical properties (such as structural, functional, and spatial information, amino acid conservation, physicochemical variation, residue mobility, and thermodynamic stability) indicates that this missense variant is not expected to disrupt TGFBR1 protein function with a negative predictive value of 95%. In summary, the available evidence is currently insufficient to determine the role of this variant in disease. Therefore, it has been classified as a Variant of Uncertain Significance.

NM_004612.4(TGFBR1):c.192A>T (p.Lys64Asn)

Gene: TGFBR1 (transforming growth factor beta receptor 1; plus strand). Cytogenetic location: 9q22.33.
Variant type: single nucleotide variant.
Coding change: c.192A>T on transcript NM_004612.4 (MANE Select); coding-DNA position 192, A replaced by T.
Protein change: p.Lys64Asn; replaces lysine 64 with asparagine.
Molecular consequence: missense variant. On other transcripts: 5 prime UTR variant (15), non-coding transcript variant (4), intron variant (3).
Genome position (GRCh38, 1-based): chr9:99,128,949, A>T. VCF-style: chr9-99128949-A-T. GRCh37 (hg19) VCF-style: chr9-101891231-A-T.
Other names: c.192A>T, p.Lys64Asn (NM_001130916.3, NM_001306210.2, NM_001407416.1 and 2 more transcripts); c.-16A>T (NM_001407418.1, NM_001407419.1, NM_001407420.1 and 12 more transcripts); c.98-3560A>T (NM_001407436.1); c.98-8910A>T (NM_001407438.1); c.98-13587A>T (NM_001407437.1); short protein forms K64N.
Identifiers: ClinVar variation 4801815 (VCV004801815.1).